The following is an entry in ClinVar:

ClinVar aggregate classification (germline): Uncertain significance (1 of 4 stars; one submission).

gnomAD v4.1: 7 of 1,613,962 alleles (0.00043%); highest among the groups gnomAD compares: Non-Finnish European, 0.00059%; no homozygotes.

Submission:

GeneDx
Classification: Uncertain significance. Last evaluated: 2025-06-24. Review status: criteria provided, single submitter. Criteria: GeneDx Variant Classification Process June 2021. Collection method: clinical testing. Allele origin: germline. Affected: yes.
Comment: Not observed at significant frequency in large population cohorts (gnomAD); In silico analysis supports that this missense variant has a deleterious effect on protein structure/function; Has not been previously published as pathogenic or benign to our knowledge

NM_000458.4(HNF1B):c.1567T>G (p.Ser523Ala)

Gene: HNF1B (HNF1 homeobox B; minus strand). Cytogenetic location: 17q12.
Variant type: single nucleotide variant.
Coding change: c.1567T>G on transcript NM_000458.4 (MANE Select); coding-DNA position 1567, T replaced by G.
Protein change: p.Ser523Ala; replaces serine 523 with alanine.
Molecular consequence: missense variant. On other transcripts: intron variant (2).
Genome position (GRCh38, 1-based): chr17:37,699,162, A>C on the plus strand (T>G on the coding strand, the complement: HNF1B is on the minus strand). VCF-style: chr17-37699162-A-C. GRCh37 (hg19) VCF-style: chr17-36059168-A-C.
Other names: c.1489T>G, p.Ser497Ala (NM_001165923.4); c.1261+5755T>G (NM_001304286.2); c.1534+1821T>G (NM_001411100.1); short protein forms S497A, S523A.
Identifiers: ClinVar variation 4540075 (VCV004540075.1).